The following is an entry in ClinVar:

NM_000199.5(SGSH):c.1455del (p.Val486fs)

Gene: SGSH (N-sulfoglucosamine sulfohydrolase; minus strand). Cytogenetic location: 17q25.3.
Variant type: Deletion.
Coding change: c.1455del on transcript NM_000199.5 (MANE Select); coding-DNA position 1455, one base deleted (C; older notation c.1455delC).
Protein change: p.Val486fs; shifts the reading frame from valine 486.
Molecular consequence: frameshift variant. On other transcripts: 3 prime UTR variant (2), non-coding transcript variant (1).
Genome position (GRCh38, 1-based): chr17:80,210,506, G deleted on the plus strand (C on the coding strand, the reverse complement: SGSH is on the minus strand). VCF-style (leftmost placement, unchanged base first): chr17-80210505-CG-C. GRCh37 (hg19) VCF-style: chr17-78184304-CG-C.
Other names: c.*542del (NM_001352921.3); c.*505del (NM_001352922.2); short protein forms V486fs.
Identifiers: ClinVar variation 1805703 (VCV001805703.1), dbSNP rs2510854985, ClinGen allele CA913203536.

ClinVar aggregate classification (germline): Likely pathogenic (1 of 4 stars; one submission).

Conditions:
Mucopolysaccharidosis, MPS-III-A (MPS3A). Also called: Mucopolysaccharidosis type IIIA (Sanfilippo A); HEPARAN SULFATE SULFATASE DEFICIENCY; SANFILIPPO SYNDROME A; SULFAMIDASE DEFICIENCY; MPS III A; MUCOPOLYSACCHARIDOSIS, TYPE IIIA, ATTENUATED. Identifiers: Orphanet 581, Orphanet 79269, MedGen C0086647, MONDO:0009655, OMIM 252900.

Submission:

Victorian Clinical Genetics Services, Murdoch Childrens Research Institute
Classification: Likely pathogenic for Mucopolysaccharidosis, MPS-III-A. Last evaluated: 2019-08-28. Review status: criteria provided, single submitter. Criteria: ACMG Guidelines, 2015. Collection method: clinical testing. Allele origin: germline. Inheritance: Autosomal recessive inheritance.
Comment: A heterozygous frameshift deletion variant, NM_000199.3(SGSH):c.1455del, has been identified in exon 8 of 8 of the SGSH gene. This deletion is predicted to create a frameshift starting at amino acid position 486, introducing a stop codon 105 residues downstream (NP_000190.1(SGSH):p.(Val486Serfs*105)). This variant is predicted to result in loss of protein function through elongation (potentially affecting a disulfide bond between amino acid 481 and 495), which is a reported mechanism of pathogenicity for this gene. The variant is absent in population databases (gnomAD) and has not been previously reported in clinical cases. Hoever, four different elongated variants have been shown to cause mucopolysaccharidosis (ClinVar, Héron, B. et al. (2011), Pollard, LM. et al. (2013)). Based on the information available at the time of curation, this variant has been classified as LIKELY PATHOGENIC.